The following is an entry in ClinVar:

NM_001354483.2(CSGALNACT1):c.269G>C (p.Ser90Thr)

Gene: CSGALNACT1 (chondroitin sulfate N-acetylgalactosaminyltransferase 1; minus strand). Cytogenetic location: 8p21.3.
Variant type: single nucleotide variant.
Coding change: c.269G>C on transcript NM_001354483.2 (MANE Select); coding-DNA position 269, G replaced by C.
Protein change: p.Ser90Thr; replaces serine 90 with threonine.
Molecular consequence: missense variant. On other transcripts: non-coding transcript variant (7).
Genome position (GRCh38, 1-based): chr8:19,505,566, C>G on the plus strand (G>C on the coding strand, the complement: CSGALNACT1 is on the minus strand). VCF-style: chr8-19505566-C-G. GRCh37 (hg19) VCF-style: chr8-19363077-C-G.
Other names: c.269G>C, p.Ser90Thr (NM_001130518.2, NM_001354475.2, NM_001354476.2 and 18 more transcripts); c.269G>C (NM_001130518.1); short protein forms S90T.
Identifiers: ClinVar variation 2179665 (VCV002179665.5), dbSNP rs548589614, ClinGen allele CA4654302.

ClinVar aggregate classification (germline): Uncertain significance. Review status: criteria provided, multiple submitters, no conflicts (2 of 4 stars). 2 submissions from 2 submitters: Uncertain significance (2). Last evaluated 2026-01-20.

Conditions:
Inborn genetic diseases. Identifiers: MedGen C0950123, MeSH D030342.

Allele frequency attached by ClinVar (database versions not stated): ExAC 0.00002; gnomAD exomes 0.00002; 1000 Genomes Project 30x 0.00016; 1000 Genomes Project 0.00020.
gnomAD v4.1: 40 of 1,614,016 alleles (0.0025%); highest among the groups gnomAD compares: African/African-American, 0.044%; 1 homozygote.

Submissions (2):

Labcorp Genetics (formerly Invitae), Labcorp
Classification: Uncertain significance. Last evaluated: 2026-01-20. Review status: criteria provided, single submitter. Criteria: Invitae Variant Classification Sherloc (09022015). Collection method: clinical testing. Allele origin: germline.
Comment: This sequence change replaces serine, which is neutral and polar, with threonine, which is neutral and polar, at codon 90 of the CSGALNACT1 protein (p.Ser90Thr). This variant is present in population databases (rs548589614, gnomAD 0.03%). This variant has not been reported in the literature in individuals affected with CSGALNACT1-related conditions. ClinVar contains an entry for this variant (Variation ID: 2179665). Invitae Evidence Modeling of protein sequence and biophysical properties (such as structural, functional, and spatial information, amino acid conservation, physicochemical variation, residue mobility, and thermodynamic stability) indicates that this missense variant is not expected to disrupt CSGALNACT1 protein function with a negative predictive value of 80%. In summary, the available evidence is currently insufficient to determine the role of this variant in disease. Therefore, it has been classified as a Variant of Uncertain Significance.

Ambry Genetics
Classification: Uncertain significance for Inborn genetic diseases. Last evaluated: 2025-10-18. Review status: criteria provided, single submitter. Criteria: Ambry Variant Classification Scheme 2023. Collection method: clinical testing. Allele origin: germline.